The following is an entry in ClinVar:

ClinVar aggregate classification (germline): Uncertain significance (1 of 4 stars; one submission).

gnomAD v4.1: 18 of 1,612,896 alleles (0.0011%); highest among the groups gnomAD compares: South Asian, 0.0033%; no homozygotes.

Submission:

Labcorp Genetics (formerly Invitae), Labcorp
Classification: Uncertain significance. Last evaluated: 2025-03-18. Review status: criteria provided, single submitter. Criteria: Invitae Variant Classification Sherloc (09022015). Collection method: clinical testing. Allele origin: germline.
Comment: This sequence change replaces alanine, which is neutral and non-polar, with threonine, which is neutral and polar, at codon 291 of the DVL1 protein (p.Ala291Thr). This variant is present in population databases (rs756546606, gnomAD 0.003%). This variant has not been reported in the literature in individuals affected with DVL1-related conditions. Invitae Evidence Modeling of protein sequence and biophysical properties (such as structural, functional, and spatial information, amino acid conservation, physicochemical variation, residue mobility, and thermodynamic stability) indicates that this missense variant is expected to disrupt DVL1 protein function with a positive predictive value of 80%. In summary, the available evidence is currently insufficient to determine the role of this variant in disease. Therefore, it has been classified as a Variant of Uncertain Significance.

NM_001330311.2(DVL1):c.871G>A (p.Ala291Thr)

Gene: DVL1 (dishevelled segment polarity protein 1; minus strand). Cytogenetic location: 1p36.33.
Variant type: single nucleotide variant.
Coding change: c.871G>A on transcript NM_001330311.2 (MANE Select); coding-DNA position 871, G replaced by A.
Protein change: p.Ala291Thr; replaces alanine 291 with threonine.
Molecular consequence: missense variant.
Genome position (GRCh38, 1-based): chr1:1,340,076, C>T on the plus strand (G>A on the coding strand, the complement: DVL1 is on the minus strand). VCF-style: chr1-1340076-C-T. GRCh37 (hg19) VCF-style: chr1-1275456-C-T.
Other names: c.871G>A, p.Ala291Thr (NM_004421.3); short protein forms A291T.
Identifiers: ClinVar variation 3720155 (VCV003720155.2).
Genomic context (GRCh38, chr1:1,340,076, plus strand): 5'-CCCGCAGCCCCCACAGACACACCTGCAGCAACATGTCGCCGGGCTCGATGCGGCCGTCAG[C>T]GGCCACAGCCCCGCCCTTCATGATGGAGCCAATGTAGATGCCGCCGTCTCCACGGTCGTT-3'
Protein context (NP_001317240.1, residues 281-301): GSIMKGGAVA[Ala291Thr]DGRIEPGDML